The following is an entry in ClinVar:

NM_001267550.2(TTN):c.57184A>T (p.Arg19062Ter)

Genes: TTN (titin; minus strand), TTN-AS1 (TTN antisense RNA 1; plus strand). Cytogenetic location: 2q31.2.
Variant type: single nucleotide variant.
Coding change: c.57184A>T on transcript NM_001267550.2 (MANE Select); coding-DNA position 57184, A replaced by T.
Protein change: p.Arg19062Ter; replaces arginine 19062 with a stop codon.
Molecular consequence: nonsense.
Genome position (GRCh38, 1-based): chr2:178,597,986, T>A on the plus strand (A>T on the coding strand, the complement: TTN is on the minus strand). VCF-style: chr2-178597986-T-A. GRCh37 (hg19) VCF-style: chr2-179462713-T-A.
Other names: c.52261A>T, p.Arg17421Ter (NM_001256850.1); c.29989A>T, p.Arg9997Ter (NM_003319.4); c.49480A>T, p.Arg16494Ter (NM_133378.4); c.30364A>T, p.Arg10122Ter (NM_133432.3); c.30565A>T, p.Arg10189Ter (NM_133437.4); short protein forms R10122*, R10189*, R16494*, R17421*, R19062*, R9997*.
Identifiers: ClinVar variation 5020060 (VCV005020060.1).

ClinVar aggregate classification (germline): Likely pathogenic (1 of 4 stars; one submission).

Conditions:
Dilated cardiomyopathy 1I (CMD1I). Identifiers: Orphanet 154, MedGen C1858154, MONDO:0011482, OMIM 604765.

Submission:

Clinical Genetics Laboratory, Skane University Hospital Lund
Classification: Likely pathogenic for Dilated cardiomyopathy 1I. Last evaluated: 2026-09-01. Review status: criteria provided, single submitter. Criteria: ACMG Guidelines, 2015. Collection method: clinical testing. Allele origin: germline. Affected: yes.
Comment: PM2 and PVS1